The following is an entry in ClinVar:

NM_000143.4(FH):c.718G>T (p.Val240Phe)

Gene: FH (fumarate hydratase; minus strand). Cytogenetic location: 1q43.
Variant type: single nucleotide variant.
Coding change: c.718G>T on transcript NM_000143.4 (MANE Select); coding-DNA position 718, G replaced by T.
Protein change: p.Val240Phe; replaces valine 240 with phenylalanine.
Molecular consequence: missense variant.
Genome position (GRCh38, 1-based): chr1:241,508,623, C>A on the plus strand (G>T on the coding strand, the complement: FH is on the minus strand). VCF-style: chr1-241508623-C-A. GRCh37 (hg19) VCF-style: chr1-241671923-C-A.
Other names: short protein forms V240F.
Identifiers: ClinVar variation 1757591 (VCV001757591.6), dbSNP rs1291740270, ClinGen allele CA345439180.

ClinVar aggregate classification (germline): Conflicting classifications of pathogenicity. Review status: criteria provided, conflicting classifications (1 of 4 stars). 2 submissions from 2 submitters: Likely pathogenic (1); Uncertain significance (1). Last evaluated 2025-12-02.

Conditions:
Hereditary cancer-predisposing syndrome. Also called: Neoplastic Syndromes, Hereditary; Tumor predisposition; Hereditary Cancer Syndrome; Hereditary neoplastic syndrome. Identifiers: Orphanet 140162, MedGen C0027672, MeSH D009386, MONDO:0015356.

Submissions (2):

Ambry Genetics
Classification: Likely pathogenic for Hereditary cancer-predisposing syndrome. Last evaluated: 2025-12-02. Review status: criteria provided, single submitter. Criteria: Ambry Variant Classification Scheme 2023. Collection method: clinical testing. Allele origin: germline.
Comment: The p.V240F pathogenic mutation (also known as c.718G>T), located in coding exon 5 of the FH gene, results from a G to T substitution at nucleotide position 718. The valine at codon 240 is replaced by phenylalanine, an amino acid with highly similar properties. This variant was reported in individual(s) with features consistent with FH-related tumor predisposition (Ambry internal data). This amino acid position is highly conserved in available vertebrate species. In addition, this alteration is predicted to be deleterious by in silico analysis. Based on the supporting evidence, this variant is interpreted as a disease-causing mutation.

Labcorp Genetics (formerly Invitae), Labcorp
Classification: Uncertain significance. Last evaluated: 2023-05-11. Review status: criteria provided, single submitter. Criteria: Invitae Variant Classification Sherloc (09022015). Collection method: clinical testing. Allele origin: germline.
Comment: This variant has not been reported in the literature in individuals affected with FH-related conditions. ClinVar contains an entry for this variant (Variation ID: 1757591). Advanced modeling of protein sequence and biophysical properties (such as structural, functional, and spatial information, amino acid conservation, physicochemical variation, residue mobility, and thermodynamic stability) performed at Invitae indicates that this missense variant is expected to disrupt FH protein function. In summary, the available evidence is currently insufficient to determine the role of this variant in disease. Therefore, it has been classified as a Variant of Uncertain Significance. This variant is not present in population databases (gnomAD no frequency). This sequence change replaces valine, which is neutral and non-polar, with phenylalanine, which is neutral and non-polar, at codon 240 of the FH protein (p.Val240Phe).